The following is an entry in ClinVar:

NM_020719.3(PRR12):c.2201G>A (p.Arg734Gln)

Gene: PRR12 (proline rich 12; plus strand). Cytogenetic location: 19q13.33.
Variant type: single nucleotide variant.
Coding change: c.2201G>A on transcript NM_020719.3 (MANE Select); coding-DNA position 2201, G replaced by A.
Protein change: p.Arg734Gln; replaces arginine 734 with glutamine.
Molecular consequence: missense variant.
Genome position (GRCh38, 1-based): chr19:49,596,536, G>A. VCF-style: chr19-49596536-G-A. GRCh37 (hg19) VCF-style: chr19-50099793-G-A.
Other names: short protein forms R734Q.
Identifiers: ClinVar variation 2370125 (VCV002370125.26), dbSNP rs368869078, ClinGen allele CA9578044.
Genomic context (GRCh38, chr19:49,596,536, plus strand): 5'-CCACTGCGGCACTGGAGCTGGGCCTGGGGAGGCTGAAGGAGAAGAAGAAAGGGCCAGAGC[G>A]GGGTGGCGAGACCCCCGAGGGGCTGGCCACCTCTGTTGTCCACTACGGGGCAGGCGCCAA-3'
Protein context (NP_065770.1, residues 724-744): RLKEKKKGPE[Arg734Gln]GGETPEGLAT

ClinVar aggregate classification (germline): Likely benign. Review status: criteria provided, multiple submitters, no conflicts (2 of 4 stars). 2 submissions from 2 submitters: Likely benign (2). Last evaluated 2022-07-01.

Conditions:
Inborn genetic diseases. Identifiers: MedGen C0950123, MeSH D030342.

Allele frequency attached by ClinVar (database versions not stated): ESP Exome Variant Server 0.00008; 1000 Genomes Project 30x 0.00016; 1000 Genomes Project 0.00020; gnomAD 0.00023; TOPMed 0.00031.
gnomAD v4.1: 531 of 1,608,598 alleles (0.033%); highest among the groups gnomAD compares: Non-Finnish European, 0.039%; 1 homozygote.

Submissions (2):

CeGaT Center for Human Genetics Tuebingen
Classification: Likely benign. Last evaluated: 2022-07-01. Review status: criteria provided, single submitter. Criteria: CeGaT Center For Human Genetics Tuebingen Variant Classification Criteria Version 2. Collection method: clinical testing. Allele origin: germline. Affected: yes. Observed: 1 variant allele.
Comment: PRR12: BS1

Ambry Genetics
Classification: Likely benign for Inborn genetic diseases. Last evaluated: 2021-08-11. Review status: criteria provided, single submitter. Criteria: Ambry Variant Classification Scheme 2023. Collection method: clinical testing. Allele origin: germline.